The following is an entry in ClinVar:

ClinVar aggregate classification (germline): Conflicting classifications of pathogenicity. Review status: criteria provided, conflicting classifications (1 of 4 stars). 6 submissions from 6 submitters: Uncertain significance (3); Likely benign (3). Last evaluated 2026-02-03.

Conditions:
Hereditary cancer-predisposing syndrome. Also called: Tumor predisposition; Neoplastic Syndromes, Hereditary; Hereditary neoplastic syndrome; Hereditary Cancer Syndrome. Identifiers: Orphanet 140162, MedGen C0027672, MeSH D009386, MONDO:0015356.
DICER1-related tumor predisposition. Also called: DICER1 syndrome; DICER1-related pleuropulmonary blastoma cancer predisposition syndrome. Identifiers: Orphanet 284343, MedGen C3839822, MONDO:0100216.

Allele frequency attached by ClinVar (database versions not stated): 1000 Genomes Project 0.00060; 1000 Genomes Project 30x 0.00078; gnomAD exomes 0.00001 and 0.00002; TOPMed 0.00001; ExAC 0.00002; gnomAD 0.00004 and 0.00006.
gnomAD v4.1: 23 of 1,614,130 alleles (0.0014%); highest among the groups gnomAD compares: Admixed American, 0.038%; no homozygotes.

Submissions (6):

Labcorp Genetics (formerly Invitae), Labcorp
Classification: Likely benign for DICER1-related tumor predisposition. Last evaluated: 2026-02-03. Review status: criteria provided, single submitter. Criteria: Invitae Variant Classification Sherloc (09022015). Collection method: clinical testing. Allele origin: germline.

Dasa
Classification: Likely benign. Last evaluated: 2025-12-10. Review status: criteria provided, single submitter. Criteria: DASA Assertion Criteria. Collection method: clinical testing. Allele origin: germline.
Comment: NM_177438.3(DICER1):c.77C>T (p.Pro26Leu) is a missense variant that results in the substitution of proline with leucine. Multiple computational predictions suggest no deleterious effect on the gene or gene product. Based on the available data, this variant is classified as likely benign.

GeneDx
Classification: Uncertain significance. Last evaluated: 2025-05-20. Review status: criteria provided, single submitter. Criteria: GeneDx Variant Classification Process June 2021. Collection method: clinical testing. Allele origin: germline.
Comment: Not observed at significant frequency in large population cohorts (gnomAD); In silico analysis suggests that this missense variant does not alter protein structure/function; Has not been previously published as pathogenic or benign to our knowledge

Quest Diagnostics Nichols Institute San Juan Capistrano
Classification: Uncertain significance. Last evaluated: 2023-11-07. Review status: criteria provided, single submitter. Criteria: Quest Diagnostics criteria. Collection method: clinical testing. Allele origin: unknown.
Comment: The DICER1 c.77C>T (p.Pro26Leu) variant has not been reported in individuals with DICER1-related conditions in the published literature. The frequency of this variant in the general population, 0.00012 (4/34530 chromosomes (Genome Aggregation Database)), is uninformative in the assessment of its pathogenicity. Analysis of this variant using bioinformatics tools for the prediction of the effect of amino acid changes on protein structure and function yielded conflicting predictions that this variant is benign or damaging. Based on the available information, we are unable to determine the clinical significance of this variant.

St. Jude Molecular Pathology, St. Jude Children's Research Hospital
Classification: Uncertain significance for DICER1-related tumor predisposition. Last evaluated: 2020-09-16. Review status: criteria provided, single submitter. Criteria: St. Jude Assertion Criteria 2020. Collection method: clinical testing. Allele origin: germline.

Ambry Genetics
Classification: Likely benign for Hereditary cancer-predisposing syndrome. Last evaluated: 2019-04-03. Review status: criteria provided, single submitter. Criteria: Ambry Variant Classification Scheme 2023. Collection method: clinical testing. Allele origin: germline.

NM_177438.3(DICER1):c.77C>T (p.Pro26Leu)

Gene: DICER1 (dicer 1, ribonuclease III; minus strand). Cytogenetic location: 14q32.13.
Variant type: single nucleotide variant.
Coding change: c.77C>T on transcript NM_177438.3 (MANE Select); coding-DNA position 77, C replaced by T.
Protein change: p.Pro26Leu; replaces proline 26 with leucine.
Molecular consequence: missense variant.
Genome position (GRCh38, 1-based): chr14:95,133,382, G>A on the plus strand (C>T on the coding strand, the complement: DICER1 is on the minus strand). VCF-style: chr14-95133382-G-A. GRCh37 (hg19) VCF-style: chr14-95599719-G-A.
Other names: c.77C>T, p.Pro26Leu (NM_001195573.1, NM_001271282.3, NM_001291628.2 and 1 more transcripts); short protein forms P26L.
Identifiers: ClinVar variation 477287 (VCV000477287.21), dbSNP rs201358110, ClinGen allele CA7331751.